The following is an entry in ClinVar:

ClinVar aggregate classification (germline): Conflicting classifications of pathogenicity. Review status: criteria provided, conflicting classifications (1 of 4 stars). 2 submissions from 2 submitters: Uncertain significance (1); Likely benign (1). Last evaluated 2024-11-20.

Conditions:
EGFR-related lung cancer (EGFR). Identifiers: MedGen CN130014.
Lung cancer. Also called: Malignant tumor of lung; Lung cancer, somatic. Identifiers: MedGen C0242379, MONDO:0008903, OMIM 211980.

Allele frequency attached by ClinVar (database versions not stated): gnomAD 0.00001; gnomAD exomes 0.00001 and 0.00002; ExAC 0.00002.
gnomAD v4.1: 14 of 1,614,076 alleles (0.00087%); highest among the groups gnomAD compares: South Asian, 0.0011%; no homozygotes.

Submissions (2):

Labcorp Genetics (formerly Invitae), Labcorp
Classification: Uncertain significance for EGFR-related lung cancer. Last evaluated: 2024-11-20. Review status: criteria provided, single submitter. Criteria: Invitae Variant Classification Sherloc (09022015). Collection method: clinical testing. Allele origin: germline.
Comment: This sequence change replaces lysine, which is basic and polar, with glutamic acid, which is acidic and polar, at codon 806 of the EGFR protein (p.Lys806Glu). This variant is present in population databases (rs754652044, gnomAD 0.002%). This variant has not been reported in the literature in individuals affected with EGFR-related conditions. ClinVar contains an entry for this variant (Variation ID: 1059968). Invitae Evidence Modeling of protein sequence and biophysical properties (such as structural, functional, and spatial information, amino acid conservation, physicochemical variation, residue mobility, and thermodynamic stability) has been performed for this missense variant. However, the output from this modeling did not meet the statistical confidence thresholds required to predict the impact of this variant on EGFR protein function. In summary, the available evidence is currently insufficient to determine the role of this variant in disease. Therefore, it has been classified as a Variant of Uncertain Significance.

Myriad Genetics, Inc.
Classification: Likely benign for Lung cancer. Last evaluated: 2024-10-16. Review status: criteria provided, single submitter. Criteria: Myriad Autosomal Dominant, Autosomal Recessive and X-Linked Classification Criteria (2023). Collection method: clinical testing. Allele origin: unknown.
Comment: This variant is considered likely benign. This variant has been observed at a population frequency that is significantly greater than expected given the associated disease prevalence and penetrance.

NM_005228.5(EGFR):c.2416A>G (p.Lys806Glu)

Genes: EGFR-AS1 (EGFR antisense RNA 1; minus strand), EGFR (epidermal growth factor receptor; plus strand). Cytogenetic location: 7p11.2.
Variant type: single nucleotide variant.
Coding change: c.2416A>G on transcript NM_005228.5 (MANE Select); coding-DNA position 2416, A replaced by G.
Protein change: p.Lys806Glu; replaces lysine 806 with glutamic acid.
Molecular consequence: missense variant. On other transcripts: non-coding transcript variant (1).
Genome position (GRCh38, 1-based): chr7:55,181,425, A>G. VCF-style: chr7-55181425-A-G. GRCh37 (hg19) VCF-style: chr7-55249118-A-G.
Other names: c.2281A>G, p.Lys761Glu (NM_001346897.2, NM_001346899.2); c.2416A>G, p.Lys806Glu (NM_001346898.2); c.2257A>G, p.Lys753Glu (NM_001346900.2); c.1615A>G, p.Lys539Glu (NM_001346941.2); short protein forms K539E, K753E, K761E, K806E.
Identifiers: ClinVar variation 1059968 (VCV001059968.10), dbSNP rs754652044, ClinGen allele CA4266068.